The following is an entry in ClinVar:

NM_005535.3(IL12RB1):c.488A>G (p.Asp163Gly)

Gene: IL12RB1 (interleukin 12 receptor subunit beta 1; minus strand). Cytogenetic location: 19p13.11.
Variant type: single nucleotide variant.
Coding change: c.488A>G on transcript NM_005535.3 (MANE Select); coding-DNA position 488, A replaced by G.
Protein change: p.Asp163Gly; replaces aspartic acid 163 with glycine.
Molecular consequence: missense variant.
Genome position (GRCh38, 1-based): chr19:18,077,577, T>C on the plus strand (A>G on the coding strand, the complement: IL12RB1 is on the minus strand). VCF-style: chr19-18077577-T-C. GRCh37 (hg19) VCF-style: chr19-18188387-T-C.
Other names: c.488A>G, p.Asp163Gly (NM_153701.3, NM_001290023.2); c.608A>G, p.Asp203Gly (NM_001290024.2); short protein forms D203G, D163G.
Identifiers: ClinVar variation 1415347 (VCV001415347.5), dbSNP rs374204463, ClinGen allele CA9305199.
Genomic context (GRCh38, chr19:18,077,577, plus strand): 5'-AACTTCCATGGGCTGCTGGGTGTCCGGTGCCGGAACTGCACCTCAGCACCAACCTGGTTA[T>C]CCGGGGTCTCCCACTCCATACGCAGCTGCCCGGCCAACTTGGACACCTTGATGTCTCCCA-3'
Protein context (NP_005526.1, residues 153-173): GQLRMEWETP[Asp163Gly]NQVGAEVQFR

ClinVar aggregate classification (germline): Uncertain significance (1 of 4 stars; one submission).

Conditions:
Mendelian susceptibility to mycobacterial diseases due to complete IL12RB1 deficiency. Also called: IL12RB1 DEFICIENCY; Immunodeficiency 30. Identifiers: Orphanet 319552, MedGen C4013949, MONDO:0013955, OMIM 614891.

Allele frequency attached by ClinVar (database versions not stated): ExAC 0.00002.

Submissions (2):

Labcorp Genetics (formerly Invitae), Labcorp
Classification: Uncertain significance for Mendelian susceptibility to mycobacterial diseases due to complete IL12RB1 deficiency. Last evaluated: 2024-05-13. Review status: criteria provided, single submitter. Criteria: Invitae Variant Classification Sherloc (09022015). Collection method: clinical testing. Allele origin: germline.
Comment: This sequence change replaces aspartic acid, which is acidic and polar, with glycine, which is neutral and non-polar, at codon 163 of the IL12RB1 protein (p.Asp163Gly). This variant is present in population databases (rs374204463, gnomAD 0.003%). This variant has not been reported in the literature in individuals affected with IL12RB1-related conditions. ClinVar contains an entry for this variant (Variation ID: 1415347). Advanced modeling of protein sequence and biophysical properties (such as structural, functional, and spatial information, amino acid conservation, physicochemical variation, residue mobility, and thermodynamic stability) performed at Invitae indicates that this missense variant is not expected to disrupt IL12RB1 protein function with a negative predictive value of 80%. In summary, the available evidence is currently insufficient to determine the role of this variant in disease. Therefore, it has been classified as a Variant of Uncertain Significance.

Dr. Peter K. Rogan Lab, Western University
No classification provided (evidence only). Condition: Clear cell carcinoma of kidney. Review status: no classification provided. Collection method: in vitro. Allele origin: not applicable. Functional consequence: skipped exon. Not counted in ClinVar's aggregate classification.